The following is an entry in ClinVar:

NM_017763.6(RNF43):c.405T>C (p.Ser135=)

Gene: RNF43 (ring finger protein 43; minus strand). Cytogenetic location: 17q22.
Variant type: single nucleotide variant.
Coding change: c.405T>C on transcript NM_017763.6 (MANE Select); coding-DNA position 405, T replaced by C.
Protein change: p.Ser135=; no amino-acid change (serine 135 retained).
Molecular consequence: synonymous variant.
Genome position (GRCh38, 1-based): chr17:58,363,571, A>G on the plus strand (T>C on the coding strand, the complement: RNF43 is on the minus strand). VCF-style: chr17-58363571-A-G. GRCh37 (hg19) VCF-style: chr17-56440932-A-G.
Other names: c.405T>C, p.Ser135= (NM_001305544.3); c.24T>C, p.Ser8= (NM_001305545.2); c.405T>C (NM_017763.4).
Identifiers: ClinVar variation 1134198 (VCV001134198.12), dbSNP rs765811705, ClinGen allele CA8673434.

ClinVar aggregate classification (germline): Benign/Likely benign. Review status: criteria provided, multiple submitters, no conflicts (2 of 4 stars). 4 submissions from 4 submitters: Benign (1); Likely benign (3). Last evaluated 2026-06-29.

Conditions:
Sessile serrated polyposis cancer syndrome (SSPCS). Identifiers: Orphanet 157798, MedGen C4310714, MONDO:0014919, OMIM 617108.

Allele frequency attached by ClinVar (database versions not stated): gnomAD 0.00001; gnomAD exomes 0.00001; ExAC 0.00002.
gnomAD v4.1: 13 of 1,612,438 alleles (0.00081%); highest among the groups gnomAD compares: Admixed American, 0.0033%; no homozygotes.

Submissions (4):

Myriad Genetics, Inc.
Classification: Benign for Sessile serrated polyposis cancer syndrome. Last evaluated: 2026-06-29. Review status: criteria provided, single submitter. Criteria: Myriad Autosomal Dominant, Autosomal Recessive and X-Linked Classification Criteria (2023). Collection method: clinical testing. Allele origin: unknown.
Comment: This variant is considered benign. This variant is a silent/synonymous amino acid change and it is not expected to impact splicing.

Labcorp Genetics (formerly Invitae), Labcorp
Classification: Likely benign. Last evaluated: 2025-05-05. Review status: criteria provided, single submitter. Criteria: Invitae Variant Classification Sherloc (09022015). Collection method: clinical testing. Allele origin: germline.

Ambry Genetics
Classification: Likely benign. Last evaluated: 2025-03-29. Review status: criteria provided, single submitter. Criteria: Ambry Variant Classification Scheme 2023. Collection method: clinical testing. Allele origin: germline.

Center for Genomic Medicine, Rigshospitalet, Copenhagen University Hospital
Classification: Likely benign. Last evaluated: 2025-03-04. Review status: criteria provided, single submitter. Criteria: ACMG Guidelines, 2015. Collection method: clinical testing. Allele origin: germline.